The following is an entry in ClinVar:

NM_001931.5(DLAT):c.55G>C (p.Glu19Gln)

Gene: DLAT (dihydrolipoamide S-acetyltransferase; plus strand). Cytogenetic location: 11q23.1.
Variant type: single nucleotide variant.
Coding change: c.55G>C on transcript NM_001931.5 (MANE Select); coding-DNA position 55, G replaced by C.
Protein change: p.Glu19Gln; replaces glutamic acid 19 with glutamine.
Molecular consequence: missense variant. On other transcripts: 5 prime UTR variant (1), non-coding transcript variant (1).
Genome position (GRCh38, 1-based): chr11:112,025,527, G>C. VCF-style: chr11-112025527-G-C. GRCh37 (hg19) VCF-style: chr11-111896251-G-C.
Other names: p.E19Q:GAG>CAG; c.55G>C, p.Glu19Gln (NM_001372031.1, NM_001372032.1, NM_001372033.1 and 6 more transcripts); c.14G>C, p.Arg5Pro (NM_001372036.1, NM_001372037.1); c.-412G>C (NM_001372042.1); short protein forms E19Q, R5P.
Identifiers: ClinVar variation 137086 (VCV000137086.61), dbSNP rs61757217, ClinGen allele CA290592.

ClinVar aggregate classification (germline): Benign/Likely benign. Review status: criteria provided, multiple submitters, no conflicts (2 of 4 stars). 10 submissions from 10 submitters: Benign (5); Likely benign (1). 4 of the submissions do not count toward it. Last evaluated 2026-09-01.

Conditions:
DLAT-related disorder. Also called: DLAT-related condition.
Pyruvate dehydrogenase E2 deficiency (PDHDD). Also called: LACTIC ACIDEMIA DUE TO DEFECT OF E2 LIPOYL TRANSACETYLASE OF THE PYRUVATE DEHYDROGENASE COMPLEX; Dihydrolipoamide Acetyltransferase (E2) Deficiency. Identifiers: Orphanet 765, Orphanet 79244, MedGen C1855565, MONDO:0009502, OMIM 245348.

Allele frequency attached by ClinVar (database versions not stated): 1000 Genomes Project 0.00439; 1000 Genomes Project 30x 0.00500; gnomAD 0.00685 and 0.00689; ExAC 0.00731; gnomAD exomes 0.00735 and 0.00842; TOPMed 0.00778; ESP Exome Variant Server 0.00808.
gnomAD v4.1: 13,356 of 1,614,048 alleles (0.83%); highest among the groups gnomAD compares: Middle Eastern, 2.5%; 70 homozygotes.

Submissions (10):

CeGaT Center for Human Genetics Tuebingen
Classification: Likely benign. Last evaluated: 2026-09-01. Review status: criteria provided, single submitter. Criteria: CeGaT Center For Human Genetics Tuebingen Variant Classification Criteria Version 2. Collection method: clinical testing. Allele origin: germline. Affected: yes. Observed: 60 variant alleles.
Comment: DLAT: BP4, BS2

Labcorp Genetics (formerly Invitae), Labcorp
Classification: Benign for Pyruvate dehydrogenase E2 deficiency. Last evaluated: 2026-01-30. Review status: criteria provided, single submitter. Criteria: Invitae Variant Classification Sherloc (09022015). Collection method: clinical testing. Allele origin: germline.

ARUP Laboratories, Molecular Genetics and Genomics, ARUP Laboratories
Classification: Benign for Pyruvate dehydrogenase E2 deficiency. Last evaluated: 2023-10-14. Review status: criteria provided, single submitter. Criteria: ARUP Molecular Germline Variant Investigation Process 2024. Collection method: clinical testing. Allele origin: germline.

Genome-Nilou Lab
Classification: Benign for Pyruvate dehydrogenase E2 deficiency. Last evaluated: 2021-07-30. Review status: criteria provided, single submitter. Criteria: ACMG Guidelines, 2015. Collection method: clinical testing. Allele origin: germline. Affected: no.

GeneDx
Classification: Benign. Last evaluated: 2012-06-05. Review status: criteria provided, single submitter. Criteria: GeneDx Variant Classification (06012015). Collection method: clinical testing. Allele origin: germline. Affected: yes.
Comment: This variant is considered likely benign or benign based on one or more of the following criteria: it is a conservative change, it occurs at a poorly conserved position in the protein, it is predicted to be benign by multiple in silico algorithms, and/or has population frequency not consistent with disease.

Breakthrough Genomics
Classification: Benign. Review status: criteria provided, single submitter. Criteria: ACMG Guidelines, 2015. Collection method: not provided. Allele origin: germline. Inheritance: Autosomal recessive inheritance. Affected: yes.

PreventionGenetics, part of Exact Sciences
Classification: Benign for DLAT-related condition. Last evaluated: 2019-12-17. Review status: no assertion criteria provided. Collection method: clinical testing. Allele origin: germline. Not counted in ClinVar's aggregate classification.
Comment: This variant is classified as benign based on ACMG/AMP sequence variant interpretation guidelines (Richards et al. 2015 PMID: 25741868, with internal and published modifications).

Mayo Clinic Laboratories, Mayo Clinic
Classification: Likely benign. Last evaluated: 2016-02-22. Review status: no assertion criteria provided. Collection method: clinical testing. Allele origin: unknown. Not counted in ClinVar's aggregate classification.

Diagnostic Laboratory, Department of Genetics, University Medical Center Groningen
Classification: Likely benign. Review status: no assertion criteria provided. Collection method: clinical testing. Allele origin: germline. Affected: yes. Study: VKGL Data-share Consensus. Not counted in ClinVar's aggregate classification.

Laboratory of Diagnostic Genome Analysis, Leiden University Medical Center (LUMC)
Classification: Likely benign. Review status: no assertion criteria provided. Collection method: clinical testing. Allele origin: germline. Affected: yes. Study: VKGL Data-share Consensus. Not counted in ClinVar's aggregate classification.